The following is an entry in ClinVar:

ClinVar aggregate classification (germline): Uncertain significance (1 of 4 stars; one submission).

Submission:

Ambry Genetics
Classification: Uncertain significance. Last evaluated: 2024-04-10. Review status: criteria provided, single submitter. Criteria: Ambry Variant Classification Scheme 2023. Collection method: clinical testing. Allele origin: germline.
Comment: The p.H1174Q variant (also known as c.3522C>G), located in coding exon 4 of the ALPK2 gene, results from a C to G substitution at nucleotide position 3522. The histidine at codon 1174 is replaced by glutamine, an amino acid with highly similar properties. This amino acid position is conserved. In addition, this alteration is predicted to be tolerated by in silico analysis. Based on the available evidence, the clinical significance of this variant remains unclear.

NM_052947.4(ALPK2):c.3522C>G (p.His1174Gln)

Gene: ALPK2 (alpha kinase 2; minus strand). Cytogenetic location: 18q21.31.
Variant type: single nucleotide variant.
Coding change: c.3522C>G on transcript NM_052947.4 (MANE Select); coding-DNA position 3522, C replaced by G.
Protein change: p.His1174Gln; replaces histidine 1174 with glutamine.
Molecular consequence: missense variant.
Genome position (GRCh38, 1-based): chr18:58,536,665, G>C on the plus strand (C>G on the coding strand, the complement: ALPK2 is on the minus strand). VCF-style: chr18-58536665-G-C. GRCh37 (hg19) VCF-style: chr18-56203897-G-C.
Other names: short protein forms H1174Q.
Identifiers: ClinVar variation 3290027 (VCV003290027.1).